The following is an entry in ClinVar:

NM_152564.5(VPS13B):c.8217C>A (p.Cys2739Ter)

Gene: VPS13B (vacuolar protein sorting 13 homolog B; plus strand). Cytogenetic location: 8q22.2.
Variant type: single nucleotide variant.
Coding change: c.8217C>A on transcript NM_152564.5 (MANE Select); coding-DNA position 8217, C replaced by A.
Protein change: p.Cys2739Ter; replaces cysteine 2739 with a stop codon.
Molecular consequence: nonsense.
Genome position (GRCh38, 1-based): chr8:99,817,659, C>A. VCF-style: chr8-99817659-C-A. GRCh37 (hg19) VCF-style: chr8-100829887-C-A.
Other names: c.8292C>A, p.Cys2764Ter (NM_017890.5); short protein forms C2739*, C2764*.
Identifiers: ClinVar variation 68092 (VCV000068092.2), dbSNP rs180177369, ClinGen allele CA284806.
Genomic context (GRCh38, chr8:99,817,659, plus strand): 5'-AGTCGTTCAGCATTACATTGGTCAAGATGGACAAGCTGTAGTTCGGGAACATTTTGACTG[C>A]CTCACAGCCAAACAGAAATTGCCTTCGTACATACTAGAAAACAATGAACTGACGGAGCTG-3'

ClinVar aggregate classification (germline): Pathogenic (0 of 4 stars; one submission).

Submission:

SNPedia
Classification: Pathogenic. Review status: no assertion criteria provided. Collection method: not provided. Allele origin: germline.
ClinVar note: Converted during submission from pathogenic to Pathogenic.